The following is an entry in ClinVar:

NM_001040142.2(SCN2A):c.2179C>T (p.Pro727Ser)

Gene: SCN2A (sodium voltage-gated channel alpha subunit 2; plus strand). Cytogenetic location: 2q24.3.
Variant type: single nucleotide variant.
Coding change: c.2179C>T on transcript NM_001040142.2 (MANE Select); coding-DNA position 2179, C replaced by T.
Protein change: p.Pro727Ser; replaces proline 727 with serine.
Molecular consequence: missense variant.
Genome position (GRCh38, 1-based): chr2:165,331,359, C>T. VCF-style: chr2-165331359-C-T. GRCh37 (hg19) VCF-style: chr2-166187869-C-T.
Other names: c.2179C>T, p.Pro727Ser (NM_001040143.2, NM_001371246.1, NM_001371247.1 and 1 more transcripts); short protein forms P727S.
Identifiers: ClinVar variation 1694972 (VCV001694972.32), dbSNP rs1339703326, ClinGen allele CA349030555.
Genomic context (GRCh38, chr2:165,331,359, plus strand): 5'-TTCATGAGGATTCTAACTTTTTTTCTTCCAGAACTTGAAGAATCCAGACAGAAATGCCCA[C>T]CATGCTGGTATAAATTTGCTAATATGTGTTTGATTTGGGACTGTTGTAAACCATGGTTAA-3'
Protein context (NP_001035232.1, residues 717-737): ELEESRQKCP[Pro727Ser]CWYKFANMCL

ClinVar aggregate classification (germline): Uncertain significance. Review status: criteria provided, multiple submitters, no conflicts (2 of 4 stars). 2 submissions from 2 submitters: Uncertain significance (2). Last evaluated 2024-09-05.

Allele frequency attached by ClinVar (database versions not stated): TOPMed 0.00001.

Submissions (2):

Blueprint Genetics
Classification: Uncertain significance. Last evaluated: 2024-09-05. Review status: criteria provided, single submitter. Criteria: ACMG Guidelines, 2015. Collection method: clinical testing. Allele origin: germline.

CeGaT Center for Human Genetics Tuebingen
Classification: Uncertain significance. Last evaluated: 2022-05-01. Review status: criteria provided, single submitter. Criteria: CeGaT Center For Human Genetics Tuebingen Variant Classification Criteria Version 2. Collection method: clinical testing. Allele origin: germline. Affected: yes. Observed: 1 variant allele.
Comment: SCN2A: PM2